The following is an entry in ClinVar:

NM_001040142.2(SCN2A):c.3176T>C (p.Ile1059Thr)

Gene: SCN2A (sodium voltage-gated channel alpha subunit 2; plus strand). Cytogenetic location: 2q24.3.
Variant type: single nucleotide variant.
Coding change: c.3176T>C on transcript NM_001040142.2 (MANE Select); coding-DNA position 3176, T replaced by C.
Protein change: p.Ile1059Thr; replaces isoleucine 1059 with threonine.
Molecular consequence: missense variant.
Genome position (GRCh38, 1-based): chr2:165,354,448, T>C. VCF-style: chr2-165354448-T-C. GRCh37 (hg19) VCF-style: chr2-166210958-T-C.
Other names: c.3176T>C, p.Ile1059Thr (NM_001371247.1, NM_021007.3, NM_001040143.2 and 1 more transcripts); short protein forms I1059T.
Identifiers: ClinVar variation 1506237 (VCV001506237.9), dbSNP rs755305829, ClinGen allele CA1940068.

ClinVar aggregate classification (germline): Uncertain significance. Review status: criteria provided, multiple submitters, no conflicts (2 of 4 stars). 2 submissions from 2 submitters: Uncertain significance (2). Last evaluated 2022-10-13.

Conditions:
Seizures, benign familial infantile, 3 (BFIS3). Also called: Familial neonatal seizures; CONVULSIONS, BENIGN FAMILIAL INFANTILE, 3. Identifiers: Orphanet 140927, Orphanet 306, MedGen C1843140, MONDO:0011904, OMIM 607745.
Developmental and epileptic encephalopathy, 11 (DEE11). Also called: Early infantile epileptic encephalopathy 11. Identifiers: Orphanet 1934, MedGen C3150987, MONDO:0013388, OMIM 613721.

Allele frequency attached by ClinVar (database versions not stated): gnomAD exomes 0.00001; ExAC 0.00002.
gnomAD v4.1: 8 of 1,614,080 alleles (0.0005%); highest among the groups gnomAD compares: South Asian, 0.0033%; no homozygotes.

Submissions (2):

Labcorp Genetics (formerly Invitae), Labcorp
Classification: Uncertain significance for Seizures, benign familial infantile, 3; Developmental and epileptic encephalopathy, 11. Last evaluated: 2022-10-13. Review status: criteria provided, single submitter. Criteria: Invitae Variant Classification Sherloc (09022015). Collection method: clinical testing. Allele origin: germline.
Comment: This variant has not been reported in the literature in individuals affected with SCN2A-related conditions. This variant is present in population databases (rs755305829, gnomAD 0.003%). This sequence change replaces isoleucine, which is neutral and non-polar, with threonine, which is neutral and polar, at codon 1059 of the SCN2A protein (p.Ile1059Thr). In summary, the available evidence is currently insufficient to determine the role of this variant in disease. Therefore, it has been classified as a Variant of Uncertain Significance. Advanced modeling of protein sequence and biophysical properties (such as structural, functional, and spatial information, amino acid conservation, physicochemical variation, residue mobility, and thermodynamic stability) performed at Invitae indicates that this missense variant is not expected to disrupt SCN2A protein function. ClinVar contains an entry for this variant (Variation ID: 1506237).

GeneDx
Classification: Uncertain significance. Last evaluated: 2022-01-13. Review status: criteria provided, single submitter. Criteria: GeneDx Variant Classification Process June 2021. Collection method: clinical testing. Allele origin: germline. Affected: yes.
Comment: Not observed at significant frequency in large population cohorts (gnomAD); Missense variants in this gene are often considered pathogenic (HGMD); In silico analysis supports that this missense variant does not alter protein structure/function; Has not been previously published as pathogenic or benign to our knowledge; This substitution is predicted to be in the cytoplasmic loop between the second and third homologous domains